The following is an entry in ClinVar:

NM_000257.4(MYH7):c.4521G>C (p.Glu1507Asp)

Genes: MHRT (myosin heavy chain associated RNA transcript; plus strand), MYH7 (myosin heavy chain 7; minus strand). Cytogenetic location: 14q11.2.
Variant type: single nucleotide variant.
Coding change: c.4521G>C on transcript NM_000257.4 (MANE Select); coding-DNA position 4521, G replaced by C.
Protein change: p.Glu1507Asp; replaces glutamic acid 1507 with aspartic acid.
Molecular consequence: missense variant. On other transcripts: non-coding transcript variant (1).
Genome position (GRCh38, 1-based): chr14:23,416,991, C>G on the plus strand (G>C on the coding strand, the complement: MYH7 is on the minus strand). VCF-style: chr14-23416991-C-G. GRCh37 (hg19) VCF-style: chr14-23886200-C-G.
Other names: c.4521G>C, p.Glu1507Asp (NM_001407004.1); short protein forms E1507D.
Identifiers: ClinVar variation 2979110 (VCV002979110.4), dbSNP rs543139794, ClinGen allele CA257811422.

ClinVar aggregate classification (germline): Uncertain significance. Review status: criteria provided, multiple submitters, no conflicts (2 of 4 stars). 2 submissions from 2 submitters: Uncertain significance (2). Last evaluated 2024-07-20.

Conditions:
Cardiomyopathy (CMYO). Also called: Cardiomyopathies. Identifiers: Orphanet 167848, MedGen C0878544, MONDO:0004994, HP:0001638. Inheritance: Various modes of inheritance.
Hypertrophic cardiomyopathy. Also called: HYPERTROPHIC MYOCARDIOPATHY. Identifiers: Orphanet 217569, MedGen C0007194, MeSH D002312, MONDO:0005045, HP:0001639.

Allele frequency attached by ClinVar (database versions not stated): gnomAD exomes below 0.00001; gnomAD 0.00001.
gnomAD v4.1: 2 of 1,614,108 alleles (0.00012%); highest among the groups gnomAD compares: African/African-American, 0.0027%; no homozygotes.

Submissions (2):

All of Us Research Program, National Institutes of Health
Classification: Uncertain significance for Cardiomyopathy. Last evaluated: 2024-07-20. Review status: criteria provided, single submitter. Criteria: ACMG Guidelines, 2015. Collection method: clinical testing. Allele origin: germline. Inheritance: Autosomal dominant inheritance. Observed: 1 variant allele, 1 heterozygote.
Comment: This missense variant replaces glutamic acid with aspartic acid at codon 1507 of the MYH7 protein. Computational prediction suggests that this variant may not impact protein structure and function (internally defined REVEL score threshold <= 0.5, PMID: 27666373). To our knowledge, functional studies have not been reported for this variant. This variant has not been reported in individuals affected with MYH7-related disorders in the literature. This variant has not been identified in the general population by the Genome Aggregation Database (gnomAD). The available evidence is insufficient to determine the role of this variant in disease conclusively. Therefore, this variant is classified as a Variant of Uncertain Significance.

This study involves interpretation of variants in research participants for the purpose of population health screening. Participant phenotype was not available at the time of variant classification. Additional details can be found in publication PMID: 35346344, PMCID: PMC8962531

Labcorp Genetics (formerly Invitae), Labcorp
Classification: Uncertain significance for Hypertrophic cardiomyopathy. Last evaluated: 2024-02-27. Review status: criteria provided, single submitter. Criteria: Invitae Variant Classification Sherloc (09022015). Collection method: clinical testing. Allele origin: germline.
Comment: This sequence change replaces glutamic acid, which is acidic and polar, with aspartic acid, which is acidic and polar, at codon 1507 of the MYH7 protein (p.Glu1507Asp). This variant is not present in population databases (gnomAD no frequency). This variant has not been reported in the literature in individuals affected with MYH7-related conditions. An algorithm developed to predict the effect of missense changes on protein structure and function (PolyPhen-2) suggests that this variant is likely to be tolerated. In summary, the available evidence is currently insufficient to determine the role of this variant in disease. Therefore, it has been classified as a Variant of Uncertain Significance.